The following is an entry in ClinVar:

NM_004304.5(ALK):c.1426G>A (p.Val476Met)

Gene: ALK (ALK receptor tyrosine kinase; minus strand). Cytogenetic location: 2p23.2.
Variant type: single nucleotide variant.
Coding change: c.1426G>A on transcript NM_004304.5 (MANE Select); coding-DNA position 1426, G replaced by A.
Protein change: p.Val476Met; replaces valine 476 with methionine.
Molecular consequence: missense variant.
Genome position (GRCh38, 1-based): chr2:29,320,871, C>T on the plus strand (G>A on the coding strand, the complement: ALK is on the minus strand). VCF-style: chr2-29320871-C-T. GRCh37 (hg19) VCF-style: chr2-29543737-C-T.
Other names: short protein forms V476M.
Identifiers: ClinVar variation 1063712 (VCV001063712.12), dbSNP rs984951289, ClinGen allele CA346472710.

ClinVar aggregate classification (germline): Conflicting classifications of pathogenicity. Review status: criteria provided, conflicting classifications (1 of 4 stars). 2 submissions from 2 submitters: Uncertain significance (1); Likely benign (1). Last evaluated 2025-05-29.

Conditions:
Hereditary cancer-predisposing syndrome. Also called: Tumor predisposition; Neoplastic Syndromes, Hereditary; Hereditary Cancer Syndrome; Hereditary neoplastic syndrome. Identifiers: Orphanet 140162, MedGen C0027672, MeSH D009386, MONDO:0015356.
Neuroblastoma, susceptibility to, 3. Also called: ALK-Related Neuroblastic Tumor Susceptibility. Identifiers: Orphanet 635, MedGen C2751681, MONDO:0013083, OMIM 613014.

gnomAD v4.1: 1 of 1,614,220 alleles (0.000062%); no homozygotes.

Submissions (2):

Ambry Genetics
Classification: Likely benign for Hereditary cancer-predisposing syndrome. Last evaluated: 2025-05-29. Review status: criteria provided, single submitter. Criteria: Ambry Variant Classification Scheme 2023. Collection method: clinical testing. Allele origin: germline.

Labcorp Genetics (formerly Invitae), Labcorp
Classification: Uncertain significance for Neuroblastoma, susceptibility to, 3. Last evaluated: 2024-10-25. Review status: criteria provided, single submitter. Criteria: Invitae Variant Classification Sherloc (09022015). Collection method: clinical testing. Allele origin: germline.
Comment: This sequence change replaces valine, which is neutral and non-polar, with methionine, which is neutral and non-polar, at codon 476 of the ALK protein (p.Val476Met). This variant is not present in population databases (gnomAD no frequency). This variant has not been reported in the literature in individuals affected with ALK-related conditions. ClinVar contains an entry for this variant (Variation ID: 1063712). An algorithm developed to predict the effect of missense changes on protein structure and function (PolyPhen-2) suggests that this variant is likely to be tolerated. In summary, the available evidence is currently insufficient to determine the role of this variant in disease. Therefore, it has been classified as a Variant of Uncertain Significance.